The following is an entry in ClinVar:

ClinVar aggregate classification (germline): Pathogenic/Likely pathogenic. Review status: criteria provided, multiple submitters, no conflicts (2 of 4 stars). 2 submissions from 2 submitters: Pathogenic (1); Likely pathogenic (1). Last evaluated 2025-02-04.

Conditions:
Deficiency of galactokinase. Also called: Galactokinase deficiency with cataracts; GALACTOSEMIA II. Identifiers: Orphanet 352, Orphanet 79237, MedGen C0268155, MONDO:0009255, OMIM 230200.

Submissions (2):

Natera, Inc.
Classification: Likely pathogenic for Deficiency of galactokinase. Last evaluated: 2025-02-04. Review status: criteria provided, single submitter. Criteria: Natera Variant Classification Schema (03/2026). Collection method: clinical testing. Allele origin: germline.
Comment: The c.1083_1096delTCCCCACGCCATGCinsATG variant in GALK1 is a frameshift variant predicted to elongate the protein beyond the termination codon. This variant is expected to result in nonsense mediated decay, truncation, or a dysfunctional protein product. This variant is rare in the general population with a frequency below the threshold expected for the associated phenotype(s). Given the available evidence, this variant is classified as Likely Pathogenic.

Labcorp Genetics (formerly Invitae), Labcorp
Classification: Pathogenic for Deficiency of galactokinase. Last evaluated: 2023-02-21. Review status: criteria provided, single submitter. Criteria: Invitae Variant Classification Sherloc (09022015). Collection method: clinical testing. Allele origin: germline.
Comment: This sequence change results in a frameshift in the GALK1 gene (p.Pro362Trpfs*37). While this is not anticipated to result in nonsense mediated decay, it is expected to disrupt the last 31 amino acid(s) of the GALK1 protein and extend the protein by 5 additional amino acid residues. Information on the frequency of this variant in the gnomAD database is not available, as this variant may be reported differently in the database. This variant has not been reported in the literature in individuals affected with GALK1-related conditions. This variant disrupts a region of the GALK1 protein in which other variant(s) (p.Gln382*) have been determined to be pathogenic (PMID: 10790206). This suggests that this is a clinically significant region of the protein, and that variants that disrupt it are likely to be disease-causing. For these reasons, this variant has been classified as Pathogenic.

Literature cited by the submitters: PubMed 10790206 (cited by Labcorp Genetics (formerly Invitae), Labcorp).

NM_000154.2(GALK1):c.1083_1096delinsATG (p.Pro362fs)

Gene: GALK1 (galactokinase 1; minus strand). Cytogenetic location: 17q25.1.
Variant type: Indel.
Coding change: c.1083_1096delinsATG on transcript NM_000154.2 (MANE Select); coding-DNA positions 1083 to 1096, TCCCCACGCCATGC replaced by ATG.
Protein change: p.Pro362fs; shifts the reading frame from proline 362.
Molecular consequence: frameshift variant.
Genome position (GRCh38, 1-based): chr17:75,758,221-75,758,234, GCATGGCGTGGGGA replaced by CAT on the plus strand (TCCCCACGCCATGC replaced by ATG on the coding strand, the reverse complement: GALK1 is on the minus strand). VCF-style: chr17-75758221-GCATGGCGTGGGGA-CAT. GRCh37 (hg19) VCF-style: chr17-73754302-GCATGGCGTGGGGA-CAT.
Other names: c.1083_1096delinsATG, p.Pro362fs (NM_001381985.1); c.1083_1096delTCCCCACGCCATGCinsATG (NM_000154.1); short protein forms P362fs.
Identifiers: ClinVar variation 970760 (VCV000970760.10), dbSNP rs2061563475, ClinGen allele CA1139665885.